The following is an entry in ClinVar:

NM_003803.4(MYOM1):c.91C>A (p.Arg31=)

Gene: MYOM1 (myomesin 1; minus strand). Cytogenetic location: 18p11.31.
Variant type: single nucleotide variant.
Coding change: c.91C>A on transcript NM_003803.4 (MANE Select); coding-DNA position 91, C replaced by A.
Protein change: p.Arg31=; no amino-acid change (arginine 31 retained).
Molecular consequence: synonymous variant.
Genome position (GRCh38, 1-based): chr18:3,215,133, G>T on the plus strand (C>A on the coding strand, the complement: MYOM1 is on the minus strand). VCF-style: chr18-3215133-G-T. GRCh37 (hg19) VCF-style: chr18-3215131-G-T.
Other names: c.91C>A, p.Arg31= (NM_019856.2).
Identifiers: ClinVar variation 226836 (VCV000226836.22), dbSNP rs76382984, ClinGen allele CA8875361.

ClinVar aggregate classification (germline): Benign/Likely benign. Review status: criteria provided, multiple submitters, no conflicts (2 of 4 stars). 5 submissions from 5 submitters: Benign (2); Likely benign (3). Last evaluated 2026-02-03.

Conditions:
Hypertrophic cardiomyopathy. Also called: HYPERTROPHIC MYOCARDIOPATHY. Identifiers: Orphanet 217569, MedGen C0007194, MeSH D002312, MONDO:0005045, HP:0001639.

Allele frequency attached by ClinVar (database versions not stated): ESP Exome Variant Server 0.00917; TOPMed 0.01066; gnomAD 0.01227 and 0.01251; 1000 Genomes Project 0.01378; 1000 Genomes Project 30x 0.01452; gnomAD exomes 0.01527 and 0.01724; ExAC 0.01732.
gnomAD v4.1: 24,167 of 1,613,742 alleles (1.5%); highest among the groups gnomAD compares: East Asian, 3.6%; 265 homozygotes.

Submissions (5):

Labcorp Genetics (formerly Invitae), Labcorp
Classification: Benign for Hypertrophic cardiomyopathy. Last evaluated: 2026-02-03. Review status: criteria provided, single submitter. Criteria: Invitae Variant Classification Sherloc (09022015). Collection method: clinical testing. Allele origin: germline.

Ambry Genetics
Classification: Likely benign. Last evaluated: 2022-05-17. Review status: criteria provided, single submitter. Criteria: Ambry Variant Classification Scheme 2023. Collection method: clinical testing. Allele origin: germline.

GeneDx
Classification: Likely benign. Last evaluated: 2019-12-10. Review status: criteria provided, single submitter. Criteria: GeneDx Variant Classification Process June 2021. Collection method: clinical testing. Allele origin: germline. Affected: yes.

Laboratory for Molecular Medicine, Mass General Brigham Personalized Medicine
Classification: Benign. Last evaluated: 2014-11-24. Review status: criteria provided, single submitter. Criteria: LMM Criteria. Collection method: clinical testing. Allele origin: germline. Observed: 8 variant alleles.
Comment: Arg31Arg in exon 2 of MYOM1: This variant is not expected to have clinical signi ficance because it does not alter an amino acid residue and is not located withi n the splice consensus sequence. It has been identified in 1.3% (108/8472) of Eu ropean American chromosomes from a broad population by the NHLBI Exome Sequencin g Project (dbSNP rs76382984).

Breakthrough Genomics
Classification: Likely benign. Review status: criteria provided, single submitter. Criteria: ACMG Guidelines, 2015. Collection method: not provided. Allele origin: germline. Inheritance: Unknown mechanism. Affected: yes.